The following is an entry in ClinVar:

NM_003722.5(TP63):c.953G>A (p.Arg318His)

Gene: TP63 (tumor protein p63; plus strand). Cytogenetic location: 3q28.
Variant type: single nucleotide variant.
Coding change: c.953G>A on transcript NM_003722.5 (MANE Select); coding-DNA position 953, G replaced by A.
Protein change: p.Arg318His; replaces arginine 318 with histidine.
Molecular consequence: missense variant.
Genome position (GRCh38, 1-based): chr3:189,867,903, G>A. VCF-style: chr3-189867903-G-A. GRCh37 (hg19) VCF-style: chr3-189585692-G-A.
Other names: R279H; c.953G>A, p.Arg318His (NM_001114978.2, NM_001114979.2, NM_001329144.2 and 1 more transcripts); c.671G>A, p.Arg224His (NM_001114980.2, NM_001114981.2, NM_001114982.2 and 2 more transcripts); c.416G>A, p.Arg139His (NM_001329146.2, NM_001329150.2); c.947G>A, p.Arg316His (NM_001329964.2); short protein forms R318H, R316H, R139H, R224H.
Identifiers: ClinVar variation 6533 (VCV000006533.15), dbSNP rs121908840, ClinGen allele CA118339.

ClinVar aggregate classification (germline): Pathogenic/Likely pathogenic. Review status: criteria provided, multiple submitters, no conflicts (2 of 4 stars). 10 submissions from 9 submitters: Pathogenic (7); Likely pathogenic (1). 2 of the submissions do not count toward it. Last evaluated 2026-05-29.

Conditions:
TP63-Related Spectrum Disorders.
Ectrodactyly, ectodermal dysplasia, and cleft lip-palate syndrome 3. Also called: Ectrodactyly, Ectodermal Dysplasia, Cleft Lip/Palate Syndrome 3 (EEC3); Ectrodactyly, Ectodermal Dysplasia, Clefting Syndrome; EEC SYNDROME 3; Ectrodactyly, Ectodermal Dysplasia, Clefting Syndrome Type 3 (EEC3). Identifiers: Orphanet 1896, MedGen C1858562, MONDO:0011428, OMIM 604292.
Rapp-Hodgkin syndrome (RHS). Also called: ECTODERMAL DYSPLASIA, ANHIDROTIC, WITH CLEFT LIP/PALATE; Rapp-Hodgkin ectodermal dysplasia syndrome; Isolated Cleft Lip/Cleft Palate (Orofacial Cleft 8). Identifiers: MedGen C1785148, MONDO:0007508, OMIM 129400.

Submissions (10):

Lupski Lab, Baylor-Hopkins CMG, Baylor College of Medicine
Classification: Pathogenic for Ectrodactyly, ectodermal dysplasia, and cleft lip-palate syndrome 3. Last evaluated: 2026-05-29. Review status: criteria provided, single submitter. Criteria: ACMG Guidelines, 2015. Collection method: research. Allele origin: de novo. Inheritance: Autosomal dominant inheritance. Affected: yes. Observed: 1 variant allele, 1 heterozygote.
Comment: This variant is located within a mutation hotspot that has 21 missense/in-frame variants, of which 16 are pathogenic, 5 are VUS, and none are benign (PM1 Moderate =+2pts). A different missense change at this position (p.Arg318Cys) has been classified as ClinVar Pathogenic, 2 stars (PM5_Moderate =+2pts). This variant has an AlphaMissense score of 1 (PP3_Moderate =+2pts). This variant is absent in gnomAD v4 (PM2_Supporting =+1pt). 11 pts (PS2 +4, PM1 +2, PM5 +2, PP3 +2, PM2 +1).

Clinical Biomedical Laboratory, Shriners Hospital For Children - Canada
Classification: Pathogenic for Ectrodactyly, ectodermal dysplasia, and cleft lip-palate syndrome 3. Last evaluated: 2025-10-05. Review status: criteria provided, single submitter. Criteria: ACMG Guidelines, 2015. Collection method: clinical testing. Allele origin: germline. Affected: yes.
Comment: This variant is predicted to substitute an arginine residue by a histidine residue. This variant is absent from the Genome Aggregation Database (v2.1.1). This variant has been reported in the literature (PMID 10535733, 11462173).

GeneDx
Classification: Pathogenic. Last evaluated: 2024-12-17. Review status: criteria provided, single submitter. Criteria: GeneDx Variant Classification Process June 2021. Collection method: clinical testing. Allele origin: germline. Affected: yes.
Comment: Published functional studies demonstrate an inhibitory effect of the variant on the wildtype p63 protein, and mouse models for this variant display an ectrodactyly phenotype (PMID: 18626511, 23775923); Not observed at significant frequency in large population cohorts (gnomAD); In silico analysis supports that this missense variant has a deleterious effect on protein structure/function; Also known as R279H; This variant is associated with the following publications: (PMID: 21652629, 34321610, 23355676, 19353588, 23775923, 20543567, 30566872, 17224651, 18626511, 10535733, 23431748, 11903230)

Dasa
Classification: Pathogenic. Last evaluated: 2024-12-16. Review status: criteria provided, single submitter. Criteria: DASA Assertion Criteria. Collection method: clinical testing. Allele origin: germline.
Comment: NM_003722.5(TP63):c.953G>A (p.Arg318His) is a missense variant that results in the substitution of arginine with histidine. The affected residue or protein region has prior evidence supporting clinical relevance. This variant has been reported in individuals with related phenotype. Segregation evidence has been reported in affected families. Functional evidence supports a deleterious effect on the gene or gene product. This variant has been reported in individuals with related phenotype. Multiple computational predictions support a deleterious effect on the gene or gene product. The variant is present at low frequency in population datasets. Based on the available data, this variant is classified as pathogenic.

Labcorp Genetics (formerly Invitae), Labcorp
Classification: Pathogenic. Last evaluated: 2022-09-08. Review status: criteria provided, single submitter. Criteria: Invitae Variant Classification Sherloc (09022015). Collection method: clinical testing. Allele origin: germline.
Comment: This sequence change replaces arginine, which is basic and polar, with histidine, which is basic and polar, at codon 318 of the TP63 protein (p.Arg318His). For these reasons, this variant has been classified as Pathogenic. This variant disrupts the p.Arg318 amino acid residue in TP63. Other variant(s) that disrupt this residue have been determined to be pathogenic (PMID: 11462173, 21652629). This suggests that this residue is clinically significant, and that variants that disrupt this residue are likely to be disease-causing. Experimental studies have shown that this missense change affects TP63 function (PMID: 18326838, 23775923). Advanced modeling of protein sequence and biophysical properties (such as structural, functional, and spatial information, amino acid conservation, physicochemical variation, residue mobility, and thermodynamic stability) performed at Invitae indicates that this missense variant is expected to disrupt TP63 protein function. ClinVar contains an entry for this variant (Variation ID: 6533). This variant is also known as p.Arg279His. This missense change has been observed in individuals with split hand‚Äìsplit foot malformation (SHFM) or ectrodactyly, ectodermal dysplasia and facial clefts syndrome (EEC syndrome) (PMID: 10535733, 11462173, 12525544, 23355676, 23431748). It has also been observed to segregate with disease in related individuals. This variant is not present in population databases (gnomAD no frequency).

3billion
Classification: Pathogenic for Ectrodactyly, ectodermal dysplasia, and cleft lip-palate syndrome 3. Last evaluated: 2022-03-22. Review status: criteria provided, single submitter. Criteria: ACMG Guidelines, 2015. Collection method: clinical testing. Allele origin: germline. Affected: yes. Observed: 1 heterozygote.
Comment: Same or different nucleotide change resulting in same amino acid change has been previously reported as pathogenic/likely pathogenic with strong evidence (ClinVar ID: VCV000006533, PMID:10535733). A different missense change at the same codon has been reported as pathogenic/likely pathogenic with strong evidence (ClinVar ID: VCV000650760, PMID:19903181,11462173,11462173). In silico tool predictions suggest damaging effect of the variant on gene or gene product (REVEL: 0.948>=0.6, 3CNET: 0.993>=0.75). A missense variant is a common mechanism associated with Ectrodactyly, ectodermal dysplasia, and cleft lip/palate syndrome 3. It is not observed in the gnomAD v2.1.1 dataset. Therefore, this variant is classified as pathogenic according to the recommendation of ACMG/AMP guideline.

AiLife Diagnostics
Classification: Pathogenic. Last evaluated: 2021-12-16. Review status: criteria provided, single submitter. Criteria: ACMG Guidelines, 2015. Collection method: clinical testing. Allele origin: de novo. Affected: yes. Observed: 1 variant allele.

Division of Medical Genetics, Department of Pediatrics, All India Institute of Medical Sciences, New Delhi
Classification: Likely pathogenic for Ectrodactyly, ectodermal dysplasia, and cleft lip-palate syndrome 3. Review status: criteria provided, single submitter. Criteria: ACMG Guidelines, 2015. Collection method: research. Allele origin: germline. Affected: yes.

OMIM
Classification: Pathogenic for ECTRODACTYLY, ECTODERMAL DYSPLASIA, AND CLEFT LIP/PALATE SYNDROME 3. Last evaluated: 2003-09-01. Review status: no assertion criteria provided. Collection method: literature only. Allele origin: germline. Not counted in ClinVar's aggregate classification.

OMIM
Classification: Pathogenic for RAPP-HODGKIN SYNDROME. Last evaluated: 2003-09-01. Review status: no assertion criteria provided. Collection method: literature only. Allele origin: germline. Not counted in ClinVar's aggregate classification.

Literature cited by the submitters: PubMed 12939657 (cited by Lupski Lab, Baylor-Hopkins CMG, Baylor College of Medicine and OMIM); PubMed 11462173 (cited by 4 submitters); PubMed 10839977 (cited by Lupski Lab, Baylor-Hopkins CMG, Baylor College of Medicine and OMIM); PubMed 10535733 (cited by 4 submitters); PubMed 21652629 (cited by Labcorp Genetics (formerly Invitae), Labcorp and AiLife Diagnostics); PubMed 18326838 (cited by Labcorp Genetics (formerly Invitae), Labcorp); PubMed 23775923 (cited by Labcorp Genetics (formerly Invitae), Labcorp and AiLife Diagnostics); PubMed 12525544 (cited by Labcorp Genetics (formerly Invitae), Labcorp); PubMed 23355676 (cited by Labcorp Genetics (formerly Invitae), Labcorp and AiLife Diagnostics); PubMed 23431748 (cited by Labcorp Genetics (formerly Invitae), Labcorp and AiLife Diagnostics); PubMed 19903181 (cited by 3billion); PubMed 19353588 (cited by AiLife Diagnostics); PubMed 18626511 (cited by AiLife Diagnostics); PubMed 20543567 (cited by AiLife Diagnostics).